The following is an entry in ClinVar:

NM_001110556.2(FLNA):c.5133C>G (p.Phe1711Leu)

Gene: FLNA (filamin A; minus strand). Cytogenetic location: Xq28.
Variant type: single nucleotide variant.
Coding change: c.5133C>G on transcript NM_001110556.2 (MANE Select); coding-DNA position 5133, C replaced by G.
Protein change: p.Phe1711Leu; replaces phenylalanine 1711 with leucine.
Molecular consequence: missense variant.
Genome position (GRCh38, 1-based): chrX:154,354,909, G>C on the plus strand (C>G on the coding strand, the complement: FLNA is on the minus strand). VCF-style: chrX-154354909-G-C. GRCh37 (hg19) VCF-style: chrX-153583277-G-C.
Other names: c.5109C>G, p.Phe1703Leu (NM_001456.4); short protein forms F1703L, F1711L.
Identifiers: ClinVar variation 3347630 (VCV003347630.1).

ClinVar aggregate classification (germline): Uncertain significance (0 of 4 stars; one submission).

Conditions:
FLNA-related disorder.

Submission:

PreventionGenetics, part of Exact Sciences
Classification: Uncertain significance for FLNA-related condition. Last evaluated: 2024-05-23. Review status: no assertion criteria provided. Collection method: clinical testing. Allele origin: germline.
Comment: The FLNA c.5133C>G variant is predicted to result in the amino acid substitution p.Phe1711Leu. To our knowledge, this variant has not been reported in the literature or in a large population database, indicating this variant is rare. At this time, the clinical significance of this variant is uncertain due to the absence of conclusive functional and genetic evidence.